The following is an entry in ClinVar:

NM_003280.3(TNNC1):c.243G>C (p.Met81Ile)

Gene: TNNC1 (troponin C1, slow skeletal and cardiac type; minus strand). Cytogenetic location: 3p21.1.
Variant type: single nucleotide variant.
Coding change: c.243G>C on transcript NM_003280.3 (MANE Select); coding-DNA position 243, G replaced by C.
Protein change: p.Met81Ile; replaces methionine 81 with isoleucine.
Molecular consequence: missense variant.
Genome position (GRCh38, 1-based): chr3:52,451,818, C>G on the plus strand (G>C on the coding strand, the complement: TNNC1 is on the minus strand). VCF-style: chr3-52451818-C-G. GRCh37 (hg19) VCF-style: chr3-52485834-C-G.
Other names: short protein forms M81I.
Identifiers: ClinVar variation 1677380 (VCV001677380.9), dbSNP rs545564444, ClinGen allele CA2438545.

ClinVar aggregate classification (germline): Uncertain significance. Review status: criteria provided, multiple submitters, no conflicts (2 of 4 stars). 4 submissions from 4 submitters: Uncertain significance (4). Last evaluated 2026-01-15.

Conditions:
Hypertrophic cardiomyopathy 13. Also called: TNNC1-Related Familial Hypertrophic Cardiomyopathy. Identifiers: MedGen C2750472, MONDO:0013195, OMIM 613243.
Dilated cardiomyopathy 1Z (CMD1Z). Identifiers: Orphanet 154, MedGen C2678475, MONDO:0012745, OMIM 611879.
Cardiovascular phenotype. Identifiers: MedGen CN230736.

Allele frequency attached by ClinVar (database versions not stated): gnomAD exomes below 0.00001 and 0.00002; TOPMed below 0.00001; ExAC 0.00001; gnomAD 0.00002; 1000 Genomes Project 30x 0.00047; 1000 Genomes Project 0.00060.

Submissions (4):

Labcorp Genetics (formerly Invitae), Labcorp
Classification: Uncertain significance for Hypertrophic cardiomyopathy 13; Dilated cardiomyopathy 1Z. Last evaluated: 2026-01-15. Review status: criteria provided, single submitter. Criteria: Invitae Variant Classification Sherloc (09022015). Collection method: clinical testing. Allele origin: germline.
Comment: This sequence change replaces methionine, which is neutral and non-polar, with isoleucine, which is neutral and non-polar, at codon 81 of the TNNC1 protein (p.Met81Ile). This variant is present in population databases (rs545564444, gnomAD 0.02%). This missense change has been observed in individual(s) with clinical features of TNNC1-related conditions (PMID: 30188508). ClinVar contains an entry for this variant (Variation ID: 1677380). An algorithm developed to predict the effect of missense changes on protein structure and function (PolyPhen-2) suggests that this variant is likely to be disruptive. In summary, the available evidence is currently insufficient to determine the role of this variant in disease. Therefore, it has been classified as a Variant of Uncertain Significance.

Ambry Genetics
Classification: Uncertain significance for Cardiovascular phenotype. Last evaluated: 2023-09-29. Review status: criteria provided, single submitter. Criteria: Ambry Variant Classification Scheme 2023. Collection method: clinical testing. Allele origin: germline.
Comment: The p.M81I variant (also known as c.243G>C), located in coding exon 4 of the TNNC1 gene, results from a G to C substitution at nucleotide position 243. The methionine at codon 81 is replaced by isoleucine, an amino acid with highly similar properties. This variant was reported in one individual from a left ventricular non-compaction (LVNC) cohort with limited clinical details provided (Takasaki A et al. Pediatr Res, 2018 11;84:733-742). This amino acid position is highly conserved in available vertebrate species. In addition, this alteration is predicted to be deleterious by in silico analysis. Since supporting evidence is limited at this time, the clinical significance of this alteration remains unclear.

Blueprint Genetics
Classification: Uncertain significance. Last evaluated: 2022-08-29. Review status: criteria provided, single submitter. Criteria: ACMG Guidelines, 2015. Collection method: clinical testing. Allele origin: germline.

AiLife Diagnostics
Classification: Uncertain significance. Last evaluated: 2021-07-20. Review status: criteria provided, single submitter. Criteria: ACMG Guidelines, 2015. Collection method: clinical testing. Allele origin: germline. Affected: yes. Observed: 1 variant allele.

Literature cited by the submitters: PubMed 30188508 (cited by 3 submitters).